The following is an entry in ClinVar:

NM_006361.6(HOXB13):c.327C>A (p.Tyr109Ter)

Gene: HOXB13 (homeobox B13; minus strand). Cytogenetic location: 17q21.32.
Variant type: single nucleotide variant.
Coding change: c.327C>A on transcript NM_006361.6 (MANE Select); coding-DNA position 327, C replaced by A.
Protein change: p.Tyr109Ter; replaces tyrosine 109 with a stop codon.
Molecular consequence: nonsense.
Genome position (GRCh38, 1-based): chr17:48,728,267, G>T on the plus strand (C>A on the coding strand, the complement: HOXB13 is on the minus strand). VCF-style: chr17-48728267-G-T. GRCh37 (hg19) VCF-style: chr17-46805629-G-T.
Other names: c.327C>A (NM_006361.5); short protein forms Y109*.
Identifiers: ClinVar variation 1492546 (VCV001492546.8), dbSNP rs749101324, ClinGen allele CA400107687.

ClinVar aggregate classification (germline): Uncertain significance. Review status: criteria provided, multiple submitters, no conflicts (2 of 4 stars). 3 submissions from 3 submitters: Uncertain significance (3). Last evaluated 2026-05-12.

Conditions:
Hereditary cancer-predisposing syndrome. Also called: Tumor predisposition; Neoplastic Syndromes, Hereditary; Hereditary Cancer Syndrome; Hereditary neoplastic syndrome. Identifiers: Orphanet 140162, MedGen C0027672, MeSH D009386, MONDO:0015356.
Prostate cancer, hereditary, 9 (HPC9). Identifiers: Orphanet 1331, MedGen C1970250, MONDO:0012597, OMIM 610997.

Submissions (3):

Ambry Genetics
Classification: Uncertain significance for Hereditary cancer-predisposing syndrome. Last evaluated: 2026-05-12. Review status: criteria provided, single submitter. Criteria: Ambry Variant Classification Scheme 2023. Collection method: clinical testing. Allele origin: germline.
Comment: The p.Y109* variant (also known as c.327C>A), located in coding exon 1 of the HOXB13 gene, results from a C to A substitution at nucleotide position 327. This changes the amino acid from a tyrosine to a stop codon within coding exon 1. This alteration is expected to result in loss of function by premature protein truncation or nonsense-mediated mRNA decay. However, loss of function has not been established as a mechanism of disease. Based on the available evidence, the clinical significance of this variant remains unclear.

Labcorp Genetics (formerly Invitae), Labcorp
Classification: Uncertain significance. Last evaluated: 2025-04-02. Review status: criteria provided, single submitter. Criteria: Invitae Variant Classification Sherloc (09022015). Collection method: clinical testing. Allele origin: germline.
Comment: This sequence change creates a premature translational stop signal (p.Tyr109*) in the HOXB13 gene. It is expected to result in an absent or disrupted protein product. However, the current clinical and genetic evidence is not sufficient to establish whether loss-of-function variants in HOXB13 cause disease. This variant is not present in population databases (gnomAD no frequency). This premature translational stop signal has been observed in individual(s) with prostate cancer (PMID: 32338768). ClinVar contains an entry for this variant (Variation ID: 1492546). In summary, the available evidence is currently insufficient to determine the role of this variant in disease. Therefore, it has been classified as a Variant of Uncertain Significance.

Fulgent Genetics
Classification: Uncertain significance for Prostate cancer, hereditary, 9. Last evaluated: 2022-05-25. Review status: criteria provided, single submitter. Criteria: ACMG Guidelines, 2015. Collection method: clinical testing. Allele origin: unknown.

Literature cited by the submitters: PubMed 32338768 (cited by Labcorp Genetics (formerly Invitae), Labcorp).